The following is an entry in ClinVar:

NM_182961.4(SYNE1):c.6193G>C (p.Val2065Leu)

Gene: SYNE1 (spectrin repeat containing nuclear envelope protein 1; minus strand). Cytogenetic location: 6q25.2.
Variant type: single nucleotide variant.
Coding change: c.6193G>C on transcript NM_182961.4 (MANE Select); coding-DNA position 6193, G replaced by C.
Protein change: p.Val2065Leu; replaces valine 2065 with leucine.
Molecular consequence: missense variant.
Genome position (GRCh38, 1-based): chr6:152,413,389, C>G on the plus strand (G>C on the coding strand, the complement: SYNE1 is on the minus strand). VCF-style: chr6-152413389-C-G. GRCh37 (hg19) VCF-style: chr6-152734524-C-G.
Other names: c.6214G>C, p.Val2072Leu (NM_033071.5); short protein forms V2065L, V2072L.
Identifiers: ClinVar variation 1988412 (VCV001988412.1), dbSNP rs781304758, ClinGen allele CA4058147.
Genomic context (GRCh38, chr6:152,413,389, plus strand): 5'-GAACTGGGTGGGTTTTGACTTACTTTTCATGAATTAGTCTTTTGGTATCATCCCAGGTGA[C>G]CTCTAAGCGGTTTATCTCCCTGTCAACTTCAGGTGCAAAAGCTACATCTTTCTGGGCAAT-3'
Protein context (NP_892006.3, residues 2055-2075): EVDREINRLE[Val2065Leu]TWDDTKRLIH

ClinVar aggregate classification (germline): Uncertain significance (1 of 4 stars; one submission).

Conditions:
Autosomal recessive ataxia, Beauce type. Also called: SYNE1 Deficiency; Spinocerebellar ataxia, autosomal recessive 8; ATAXIA, RECESSIVE, OF BEAUCE; SYNE1-Related Autosomal Recessive Cerebellar Ataxia. Identifiers: Orphanet 88644, MedGen C1853116, MONDO:0012549, OMIM 610743.
Emery-Dreifuss muscular dystrophy 4, autosomal dominant (EDMD4). Also called: EMERY-DREIFUSS MUSCULAR DYSTROPHY 4 WITH VARIABLE FEATURES. Identifiers: Orphanet 261, MedGen C2751807, MONDO:0013071, OMIM 612998.

Allele frequency attached by ClinVar (database versions not stated): gnomAD exomes below 0.00001; gnomAD 0.00001; ExAC 0.00002.
gnomAD v4.1: 7 of 1,613,984 alleles (0.00043%); highest among the groups gnomAD compares: Middle Eastern, 0.016%; no homozygotes.

Submission:

Labcorp Genetics (formerly Invitae), Labcorp
Classification: Uncertain significance for Emery-Dreifuss muscular dystrophy 4, autosomal dominant; Autosomal recessive ataxia, Beauce type. Last evaluated: 2022-04-12. Review status: criteria provided, single submitter. Criteria: Invitae Variant Classification Sherloc (09022015). Collection method: clinical testing. Allele origin: germline.
Comment: This sequence change replaces valine, which is neutral and non-polar, with leucine, which is neutral and non-polar, at codon 2072 of the SYNE1 protein (p.Val2072Leu). This variant is present in population databases (rs781304758, gnomAD 0.01%). This variant has not been reported in the literature in individuals affected with SYNE1-related conditions. Algorithms developed to predict the effect of missense changes on protein structure and function (SIFT, PolyPhen-2, Align-GVGD) all suggest that this variant is likely to be tolerated. In summary, the available evidence is currently insufficient to determine the role of this variant in disease. Therefore, it has been classified as a Variant of Uncertain Significance.